The following is an entry in ClinVar:

NM_001376.5(DYNC1H1):c.8779C>T (p.Arg2927Cys)

Gene: DYNC1H1 (dynein cytoplasmic 1 heavy chain 1; plus strand). Cytogenetic location: 14q32.31.
Variant type: single nucleotide variant.
Coding change: c.8779C>T on transcript NM_001376.5 (MANE Select); coding-DNA position 8779, C replaced by T.
Protein change: p.Arg2927Cys; replaces arginine 2927 with cysteine.
Molecular consequence: missense variant.
Genome position (GRCh38, 1-based): chr14:102,027,181, C>T. VCF-style: chr14-102027181-C-T. GRCh37 (hg19) VCF-style: chr14-102493518-C-T.
Other names: short protein forms R2927C.
Identifiers: ClinVar variation 1416849 (VCV001416849.6), dbSNP rs2152588919, ClinGen allele CA391009645.

ClinVar aggregate classification (germline): Uncertain significance (1 of 4 stars; one submission).

Conditions:
Charcot-Marie-Tooth disease axonal type 2O. Also called: CHARCOT-MARIE-TOOTH NEUROPATHY, AXONAL, TYPE 2O; CHARCOT-MARIE-TOOTH DISEASE, AXONAL, AUTOSOMAL DOMINANT, TYPE 2O; Charcot-Marie-Tooth Neuropathy Type 2O; Charcot-Marie-Tooth disease, axonal, type 20. Identifiers: Orphanet 284232, MedGen C3280220, MONDO:0013644, OMIM 614228.

gnomAD v4.1: 6 of 1,613,960 alleles (0.00037%); highest among the groups gnomAD compares: Non-Finnish European, 0.00042%; no homozygotes.

Submission:

Labcorp Genetics (formerly Invitae), Labcorp
Classification: Uncertain significance for Charcot-Marie-Tooth disease axonal type 2O. Last evaluated: 2021-10-23. Review status: criteria provided, single submitter. Criteria: Invitae Variant Classification Sherloc (09022015). Collection method: clinical testing. Allele origin: germline.
Comment: This sequence change replaces arginine with cysteine at codon 2927 of the DYNC1H1 protein (p.Arg2927Cys). The arginine residue is highly conserved and there is a large physicochemical difference between arginine and cysteine. This variant is not present in population databases (ExAC no frequency). This variant has not been reported in the literature in individuals affected with DYNC1H1-related conditions. Algorithms developed to predict the effect of missense changes on protein structure and function (SIFT, PolyPhen-2, Align-GVGD) all suggest that this variant is likely to be disruptive. In summary, the available evidence is currently insufficient to determine the role of this variant in disease. Therefore, it has been classified as a Variant of Uncertain Significance.